The following is an entry in ClinVar:

ClinVar aggregate classification (germline): Conflicting classifications of pathogenicity. Review status: criteria provided, conflicting classifications (1 of 4 stars). 4 submissions from 4 submitters: Likely pathogenic (1); Uncertain significance (3). Last evaluated 2025-07-18.

Conditions:
Focal segmental glomerulosclerosis 5 (FSGS5). Identifiers: Orphanet 656, MedGen C2750475, MONDO:0013191, OMIM 613237.
Charcot-Marie-Tooth disease dominant intermediate E. Also called: CHARCOT-MARIE-TOOTH NEUROPATHY WITH FOCAL SEGMENTAL GLOMERULONEPHRITIS. Identifiers: Orphanet 93114, MedGen C4302667, MONDO:0013758, OMIM 614455.

Allele frequency attached by ClinVar (database versions not stated): gnomAD exomes below 0.00001; ExAC 0.00001.
gnomAD v4.1: 6 of 1,613,306 alleles (0.00037%); highest among the groups gnomAD compares: Non-Finnish European, 0.00051%; no homozygotes.

Submissions (4):

ARUP Laboratories, Molecular Genetics and Genomics, ARUP Laboratories
Classification: Uncertain significance. Last evaluated: 2025-07-18. Review status: criteria provided, single submitter. Criteria: ARUP Molecular Germline Variant Investigation Process 2024. Collection method: clinical testing. Allele origin: germline.
Comment: The INF2 c.397G>A; p.Asp133Asn variant (rs774135330), to our knowledge, is not reported in the medical literature but is reported in ClinVar (Variation ID: 472865). This variant is only observed on one allele in the Genome Aggregation Database (v2.1.1), indicating it is not a common polymorphism. Computational analyses are uncertain whether this variant is neutral or deleterious (REVEL: 0.51). Due to limited information, the clinical significance of this variant is uncertain at this time.

GeneDx
Classification: Uncertain significance. Last evaluated: 2025-03-05. Review status: criteria provided, single submitter. Criteria: GeneDx Variant Classification Process June 2021. Collection method: clinical testing. Allele origin: germline. Affected: yes.
Comment: Not observed at significant frequency in large population cohorts (gnomAD); In silico analysis supports that this missense variant has a deleterious effect on protein structure/function; Has not been previously published as pathogenic or benign to our knowledge; This variant is associated with the following publications: (PMID: 22965130)

Labcorp Genetics (formerly Invitae), Labcorp
Classification: Likely pathogenic for Charcot-Marie-Tooth disease dominant intermediate E; Focal segmental glomerulosclerosis 5. Last evaluated: 2023-05-31. Review status: criteria provided, single submitter. Criteria: Invitae Variant Classification Sherloc (09022015). Collection method: clinical testing. Allele origin: germline.
Comment: This sequence change replaces aspartic acid, which is acidic and polar, with asparagine, which is neutral and polar, at codon 133 of the INF2 protein (p.Asp133Asn). This variant is present in population databases (rs774135330, gnomAD 0.0009%). This missense change has been observed in individual(s) with Charcot-Marie-Tooth disease (Invitae). It has also been observed to segregate with disease in related individuals. ClinVar contains an entry for this variant (Variation ID: 472865). Advanced modeling of protein sequence and biophysical properties (such as structural, functional, and spatial information, amino acid conservation, physicochemical variation, residue mobility, and thermodynamic stability) has been performed at Invitae for this missense variant, however the output from this modeling did not meet the statistical confidence thresholds required to predict the impact of this variant on INF2 protein function. In summary, the currently available evidence indicates that the variant is pathogenic, but additional data are needed to prove that conclusively. Therefore, this variant has been classified as Likely Pathogenic.

Mayo Clinic Laboratories, Mayo Clinic
Classification: Uncertain significance. Last evaluated: 2019-12-11. Review status: criteria provided, single submitter. Criteria: ACMG Guidelines, 2015. Collection method: clinical testing. Allele origin: germline. Observed: 1 variant allele.

NM_022489.4(INF2):c.397G>A (p.Asp133Asn)

Gene: INF2 (inverted formin 2; plus strand). Cytogenetic location: 14q32.33.
Variant type: single nucleotide variant.
Coding change: c.397G>A on transcript NM_022489.4 (MANE Select); coding-DNA position 397, G replaced by A.
Protein change: p.Asp133Asn; replaces aspartic acid 133 with asparagine.
Molecular consequence: missense variant.
Genome position (GRCh38, 1-based): chr14:104,703,110, G>A. VCF-style: chr14-104703110-G-A. GRCh37 (hg19) VCF-style: chr14-105169447-G-A.
Other names: c.397G>A, p.Asp133Asn (NM_001031714.4, NM_032714.3); short protein forms D133N.
Identifiers: ClinVar variation 472865 (VCV000472865.16), dbSNP rs774135330, ClinGen allele CA7372293.
Genomic context (GRCh38, chr14:104,703,110, plus strand): 5'-AGGCATGGGAAGGGGTGCATTGGCCCTGCTGAGCCTGCCCACTCCACCCTGGCAGCCCTG[G>A]ACACATCCAACGTGATGGTGAAGAAGCAGGTGTTTGAGCTACTGGCTGCCCTGTGCATCT-3'
Protein context (NP_071934.3, residues 123-143): GYVRQLSQAL[Asp133Asn]TSNVMVKKQV